The following is an entry in ClinVar:

ClinVar aggregate classification (germline): Benign. Review status: criteria provided, multiple submitters, no conflicts (2 of 4 stars). 11 submissions from 11 submitters: Benign (8). 3 of the submissions do not count toward it. Last evaluated 2026-02-04.

Conditions:
Myopathy, proximal, and ophthalmoplegia (CMYO6). Also called: MYOPATHY WITH CONGENITAL JOINT CONTRACTURES, OPHTHALMOPLEGIA, AND RIMMED VACUOLES; CONGENITAL MYOPATHY 6 WITH OPHTHALMOPLEGIA; INCLUSION BODY MYOPATHY 3, AUTOSOMAL DOMINANT. Identifiers: Orphanet 363677, Orphanet 79091, MedGen C1854106, MONDO:0011577, OMIM 605637.

Allele frequency attached by ClinVar (database versions not stated): 1000 Genomes Project 0.51677; ESP Exome Variant Server 0.38244; TOPMed 0.41328; 1000 Genomes Project 30x 0.50937.
gnomAD v4.1: 692,561 of 1,613,874 alleles (43%); highest among the groups gnomAD compares: East Asian, 83%; 156,192 homozygotes.

Submissions (11):

Labcorp Genetics (formerly Invitae), Labcorp
Classification: Benign for Myopathy, proximal, and ophthalmoplegia. Last evaluated: 2026-02-04. Review status: criteria provided, single submitter. Criteria: Invitae Variant Classification Sherloc (09022015). Collection method: clinical testing. Allele origin: germline.

Genome-Nilou Lab
Classification: Benign for Myopathy, proximal, and ophthalmoplegia. Last evaluated: 2021-09-05. Review status: criteria provided, single submitter. Criteria: ACMG Guidelines, 2015. Collection method: clinical testing. Allele origin: germline. Affected: no.

GeneDx
Classification: Benign. Last evaluated: 2018-07-15. Review status: criteria provided, single submitter. Criteria: GeneDx Variant Classification Process June 2021. Collection method: clinical testing. Allele origin: germline. Affected: yes.

Illumina Laboratory Services, Illumina
Classification: Benign for Myopathy, proximal, and ophthalmoplegia. Last evaluated: 2018-01-12. Review status: criteria provided, single submitter. Criteria: ICSL Variant Classification Criteria 13 December 2019. Collection method: clinical testing. Allele origin: germline.
Comment: This variant was observed in the ICSL laboratory as part of a predisposition screen in an ostensibly healthy population. It had not been previously curated by ICSL or reported in the Human Gene Mutation Database (HGMD: prior to June 1st, 2018), and was therefore a candidate for classification through an automated scoring system. Utilizing variant allele frequency, disease prevalence and penetrance estimates, and inheritance mode, an automated score was calculated to assess if this variant is too frequent to cause the disease. Based on the score and internal cut-off values, a variant classified as benign is not then subjected to further curation. The score for this variant resulted in a classification of benign for this disease.

Mayo Clinic Laboratories, Mayo Clinic
Classification: Benign. Last evaluated: 2017-07-18. Review status: criteria provided, single submitter. Criteria: ACMG Guidelines, 2015. Collection method: clinical testing. Allele origin: germline. Observed: 436 variant alleles.

Eurofins Ntd Llc (ga)
Classification: Benign. Last evaluated: 2015-12-08. Review status: criteria provided, single submitter. Criteria: EGL Classification Definitions 2015. Collection method: clinical testing. Allele origin: germline.

Breakthrough Genomics
Classification: Benign. Review status: criteria provided, single submitter. Criteria: ACMG Guidelines, 2015. Collection method: not provided. Allele origin: germline. Inheritance: Autosomal dominant inheritance. Affected: yes.

PreventionGenetics, part of Exact Sciences
Classification: Benign. Review status: criteria provided, single submitter. Criteria: ACMG Guidelines, 2015. Collection method: clinical testing. Allele origin: germline.

Clinical Genetics, Academic Medical Center
Classification: Benign. Review status: no assertion criteria provided. Collection method: clinical testing. Allele origin: germline. Affected: yes. Study: VKGL Data-share Consensus. Not counted in ClinVar's aggregate classification.

Diagnostic Laboratory, Department of Genetics, University Medical Center Groningen
Classification: Benign for Myopathy, proximal, and ophthalmoplegia. Review status: no assertion criteria provided. Collection method: clinical testing. Allele origin: germline. Affected: yes. Study: VKGL Data-share Consensus. Not counted in ClinVar's aggregate classification.

Joint Genome Diagnostic Labs from Nijmegen and Maastricht, Radboudumc and MUMC+
Classification: Benign. Review status: no assertion criteria provided. Collection method: clinical testing. Allele origin: germline. Affected: yes. Study: VKGL Data-share Consensus. Not counted in ClinVar's aggregate classification.

NM_017534.6(MYH2):c.399T>A (p.Pro133=)

Genes: MYH2 (myosin heavy chain 2; minus strand), MYHAS (myosin heavy chain gene cluster antisense RNA; plus strand). Cytogenetic location: 17p13.1.
Variant type: single nucleotide variant.
Coding change: c.399T>A on transcript NM_017534.6 (MANE Select); coding-DNA position 399, T replaced by A.
Protein change: p.Pro133=; no amino-acid change (proline 133 retained).
Molecular consequence: synonymous variant.
Genome position (GRCh38, 1-based): chr17:10,545,452, A>T on the plus strand (T>A on the coding strand, the complement: MYH2 is on the minus strand). VCF-style: chr17-10545452-A-T. GRCh37 (hg19) VCF-style: chr17-10448769-A-T.
Other names: p.Pro133=; c.399T>A, p.Pro133= (NM_001100112.2).
Identifiers: ClinVar variation 260824 (VCV000260824.26), dbSNP rs11078850, ClinGen allele CA8391652.